The following is an entry in ClinVar:

NM_006361.6(HOXB13):c.287C>G (p.Ser96Trp)

Gene: HOXB13 (homeobox B13; minus strand). Cytogenetic location: 17q21.32.
Variant type: single nucleotide variant.
Coding change: c.287C>G on transcript NM_006361.6 (MANE Select); coding-DNA position 287, C replaced by G.
Protein change: p.Ser96Trp; replaces serine 96 with tryptophan.
Molecular consequence: missense variant.
Genome position (GRCh38, 1-based): chr17:48,728,307, G>C on the plus strand (C>G on the coding strand, the complement: HOXB13 is on the minus strand). VCF-style: chr17-48728307-G-C. GRCh37 (hg19) VCF-style: chr17-46805669-G-C.
Other names: short protein forms S96W.
Identifiers: ClinVar variation 690694 (VCV000690694.7), dbSNP rs1237713613, ClinGen allele CA400107762.

ClinVar aggregate classification (germline): Uncertain significance. Review status: criteria provided, single submitter (1 of 4 stars). 2 submissions from 2 submitters: Uncertain significance (1). 1 of the submissions does not count toward it. Last evaluated 2021-11-30.

Conditions:
Prostate cancer, hereditary, 1 (HPC1). Identifiers: Orphanet 1331, MedGen C4722327, MONDO:0011098, OMIM 601518.

Submissions (2):

Labcorp Genetics (formerly Invitae), Labcorp
Classification: Uncertain significance. Last evaluated: 2021-11-30. Review status: criteria provided, single submitter. Criteria: Invitae Variant Classification Sherloc (09022015). Collection method: clinical testing. Allele origin: germline.
Comment: This sequence change replaces serine, which is neutral and polar, with tryptophan, which is neutral and slightly polar, at codon 96 of the HOXB13 protein (p.Ser96Trp). This variant is not present in population databases (gnomAD no frequency). This variant has not been reported in the literature in individuals affected with HOXB13-related conditions. ClinVar contains an entry for this variant (Variation ID: 690694). Algorithms developed to predict the effect of missense changes on protein structure and function are either unavailable or do not agree on the potential impact of this missense change (SIFT: "Deleterious"; PolyPhen-2: "Possibly Damaging"; Align-GVGD: "Class C15"). In summary, the available evidence is currently insufficient to determine the role of this variant in disease. Therefore, it has been classified as a Variant of Uncertain Significance.

Laboratory of Virology, Microbiology,  Quality and Medical Biotechnologies, Faculty of Sciences and Techniques - Mohammedia, Hassan II University of Casablanca
Classification: Uncertain significance for Prostate cancer, hereditary, 1. Review status: no assertion criteria provided. Collection method: clinical testing. Allele origin: somatic. Affected: yes. Not counted in ClinVar's aggregate classification.